The following is an entry in ClinVar:

NM_000444.6(PHEX):c.537T>A (p.Val179=)

Gene: PHEX (phosphate regulating endopeptidase X-linked; plus strand). Cytogenetic location: Xp22.11.
Variant type: single nucleotide variant.
Coding change: c.537T>A on transcript NM_000444.6 (MANE Select); coding-DNA position 537, T replaced by A.
Protein change: p.Val179=; no amino-acid change (valine 179 retained).
Molecular consequence: synonymous variant.
Genome position (GRCh38, 1-based): chrX:22,077,576, T>A. VCF-style: chrX-22077576-T-A. GRCh37 (hg19) VCF-style: chrX-22095694-T-A.
Other names: c.537T>A, p.Val179= (NM_001282754.2).
Identifiers: ClinVar variation 368162 (VCV000368162.17), dbSNP rs137961493, ClinGen allele CA10368058.
Genomic context (GRCh38, chrX:22,077,576, plus strand): 5'-CCTACGGCATTCACCTTTCCGCTGGCCCGTGCTTGAATCTAATATTGGCCCTGAAGGGGT[T>A]TGGTCAGAGAGAAAGTTCAGCCTTCTGCAGACACTTGCAACGTTTCGTGGTCAATACAGC-3'
Protein context (NP_000435.3, residues 169-189): VLESNIGPEG[Val179=]WSERKFSLLQ

ClinVar aggregate classification (germline): Benign/Likely benign. Review status: criteria provided, multiple submitters, no conflicts (2 of 4 stars). 4 submissions from 4 submitters: Benign (2); Likely benign (2). Last evaluated 2026-01-26.

Conditions:
Familial X-linked hypophosphatemic vitamin D refractory rickets (XLHRD). Also called: HYPOPHOSPHATEMIC VITAMIN D-RESISTANT RICKETS; X-Linked Hypophosphatemia; Hypophosphatemic Rickets, X-Linked Dominant; Hypophosphatemia, vitamin D-resistant rickets; Vitamin D-resistant rickets, X-linked. Identifiers: Orphanet 89936, MedGen C0733682, MONDO:0010619, OMIM 307800.

Allele frequency attached by ClinVar (database versions not stated): gnomAD exomes 0.00197; ExAC 0.00242; 1000 Genomes Project 0.00556; 1000 Genomes Project 30x 0.00624; gnomAD 0.00687 and 0.00746; TOPMed 0.00796; ESP Exome Variant Server 0.00843.
gnomAD v4.1: 1,521 of 1,209,552 alleles (0.13%); highest among the groups gnomAD compares: African/African-American, 2.3%; 8 homozygotes.

Submissions (6):

Labcorp Genetics (formerly Invitae), Labcorp
Classification: Benign. Last evaluated: 2026-01-26. Review status: criteria provided, single submitter. Criteria: Invitae Variant Classification Sherloc (09022015). Collection method: clinical testing. Allele origin: germline.

Illumina Laboratory Services, Illumina
Classification: Likely benign for Familial X-linked hypophosphatemic vitamin D refractory rickets. Last evaluated: 2017-04-27. Review status: criteria provided, single submitter. Criteria: ICSL Variant Classification Criteria 13 December 2019. Collection method: clinical testing. Allele origin: germline.
Comment: This variant was observed as part of a predisposition screen in an ostensibly healthy population. A literature search was performed for the gene, cDNA change, and amino acid change (where applicable). No publications were found based on this search. Allele frequency data from public databases allowed determination this variant is unlikely to cause disease. Therefore, this variant is classified as likely benign.

GeneDx
Classification: Benign. Last evaluated: 2016-12-12. Review status: criteria provided, single submitter. Criteria: GeneDx Variant Classification (06012015). Collection method: clinical testing. Allele origin: germline. Affected: yes.
Comment: This variant is considered likely benign or benign based on one or more of the following criteria: it is a conservative change, it occurs at a poorly conserved position in the protein, it is predicted to be benign by multiple in silico algorithms, and/or has population frequency not consistent with disease.

Breakthrough Genomics
Classification: Likely benign. Review status: criteria provided, single submitter. Criteria: ACMG Guidelines, 2015. Collection method: not provided. Allele origin: germline. Inheritance: X-linked inheritance. Affected: yes.

Dr. Peter K. Rogan Lab, Western University
No classification provided (evidence only). Condition: Cervical cancer. Review status: no classification provided. Collection method: in vitro. Allele origin: not applicable. Functional consequence: retained intron. Not counted in ClinVar's aggregate classification.

Dr. Peter K. Rogan Lab, Western University
No classification provided (evidence only). Condition: Ovarian serous cystadenocarcinoma. Review status: no classification provided. Collection method: in vitro. Allele origin: not applicable. Functional consequence: retained intron. Not counted in ClinVar's aggregate classification.